The following is an entry in ClinVar:

ClinVar aggregate classification (germline): Uncertain significance. Review status: criteria provided, multiple submitters, no conflicts (2 of 4 stars). 3 submissions from 3 submitters: Uncertain significance (3). Last evaluated 2025-02-19.

Conditions:
Inborn genetic diseases. Identifiers: MedGen C0950123, MeSH D030342.
Epidermolysis bullosa simplex 5C, with pyloric atresia (EBS5C). Also called: PLEC1-Related Epidermolysis Bullosa with Pyloric Atresia; Epidermolysis bullosa simplex with pyloric atresia; PLEC-Related Epidermolysis Bullosa with Pyloric Atresia. Identifiers: Orphanet 158684, MedGen C2677349, MONDO:0012807, OMIM 612138.
Epidermolysis bullosa simplex 5B, with muscular dystrophy (EBS5B). Also called: EPIDERMOLYSIS BULLOSA SIMPLEX AND LIMB-GIRDLE MUSCULAR DYSTROPHY; Epidermolysis bullosa simplex with muscular dystrophy. Identifiers: Orphanet 257, MedGen C2931072, MONDO:0009181, OMIM 226670.
Epidermolysis bullosa simplex with nail dystrophy (EBS5D). Identifiers: MedGen C4225309, MONDO:0014661, OMIM 616487.
Epidermolysis bullosa simplex, Ogna type (EBS5A). Also called: Pidermolysis bullosa simplex 5A, Ogna type; EPIDERMOLYSIS BULLOSA SIMPLEX 5A, OGNA TYPE. Identifiers: Orphanet 79401, MedGen C0432317, MONDO:0007555, OMIM 131950.
Autosomal recessive limb-girdle muscular dystrophy type 2Q (LGMDR17). Also called: MUSCULAR DYSTROPHY, LIMB-GIRDLE, AUTOSOMAL RECESSIVE 17. Identifiers: Orphanet 254361, MedGen C3150989, MONDO:0013390, OMIM 613723.

Allele frequency attached by ClinVar (database versions not stated): ExAC 0.00002; gnomAD exomes 0.00002 and 0.00004; TOPMed 0.00002; ESP Exome Variant Server 0.00016.
gnomAD v4.1: 63 of 1,602,712 alleles (0.0039%); highest among the groups gnomAD compares: Non-Finnish European, 0.0047%; no homozygotes.

Submissions (3):

GeneDx
Classification: Uncertain significance. Last evaluated: 2025-02-19. Review status: criteria provided, single submitter. Criteria: GeneDx Variant Classification Process June 2021. Collection method: clinical testing. Allele origin: germline. Affected: yes.
Comment: Not observed at significant frequency in large population cohorts (gnomAD); In silico analysis supports that this missense variant has a deleterious effect on protein structure/function; Missense variant in a gene in which most reported pathogenic variants are truncating/loss of function; Has not been previously published as pathogenic or benign to our knowledge

Labcorp Genetics (formerly Invitae), Labcorp
Classification: Uncertain significance for Autosomal recessive limb-girdle muscular dystrophy type 2Q; Epidermolysis bullosa simplex, Ogna type; Epidermolysis bullosa simplex with nail dystrophy; Epidermolysis bullosa simplex 5C, with pyloric atresia; Epidermolysis bullosa simplex 5B, with muscular dystrophy. Last evaluated: 2023-05-21. Review status: criteria provided, single submitter. Criteria: Invitae Variant Classification Sherloc (09022015). Collection method: clinical testing. Allele origin: germline.
Comment: ClinVar contains an entry for this variant (Variation ID: 1035834). This variant has not been reported in the literature in individuals affected with PLEC-related conditions. This variant is present in population databases (rs201199272, gnomAD 0.004%). This sequence change replaces alanine, which is neutral and non-polar, with threonine, which is neutral and polar, at codon 3070 of the PLEC protein (p.Ala3070Thr). An algorithm developed to predict the effect of missense changes on protein structure and function (PolyPhen-2) suggests that this variant is likely to be disruptive. In summary, the available evidence is currently insufficient to determine the role of this variant in disease. Therefore, it has been classified as a Variant of Uncertain Significance.

Ambry Genetics
Classification: Uncertain significance for Inborn genetic diseases. Last evaluated: 2022-12-13. Review status: criteria provided, single submitter. Criteria: Ambry Variant Classification Scheme 2023. Collection method: clinical testing. Allele origin: germline.

NM_201384.3(PLEC):c.9127G>A (p.Ala3043Thr)

Gene: PLEC (plectin; minus strand). Cytogenetic location: 8q24.3.
Variant type: single nucleotide variant.
Coding change: c.9127G>A on transcript NM_201384.3 (MANE Select); coding-DNA position 9127, G replaced by A.
Protein change: p.Ala3043Thr; replaces alanine 3043 with threonine.
Molecular consequence: missense variant.
Genome position (GRCh38, 1-based): chr8:143,920,694, C>T on the plus strand (G>A on the coding strand, the complement: PLEC is on the minus strand). VCF-style: chr8-143920694-C-T. GRCh37 (hg19) VCF-style: chr8-144994862-C-T.
Other names: c.9208G>A, p.Ala3070Thr (NM_000445.5); c.9085G>A, p.Ala3029Thr (NM_201378.4); c.9061G>A, p.Ala3021Thr (NM_201379.3); c.9538G>A, p.Ala3180Thr (NM_201380.4); c.9031G>A, p.Ala3011Thr (NM_201381.3); c.9127G>A, p.Ala3043Thr (NM_201382.4); c.9139G>A, p.Ala3047Thr (NM_201383.3); c.9208G>A (NM_000445.3); short protein forms A3029T, A3043T, A3011T, A3180T, A3047T, A3021T, A3070T.
Identifiers: ClinVar variation 1035834 (VCV001035834.8), dbSNP rs201199272, ClinGen allele CA4925064.